The following is an entry in ClinVar:

NM_000368.5(TSC1):c.2111A>C (p.Tyr704Ser)

Gene: TSC1 (TSC complex subunit 1; minus strand). Cytogenetic location: 9q34.13.
Variant type: single nucleotide variant.
Coding change: c.2111A>C on transcript NM_000368.5 (MANE Select); coding-DNA position 2111, A replaced by C.
Protein change: p.Tyr704Ser; replaces tyrosine 704 with serine.
Molecular consequence: missense variant.
Genome position (GRCh38, 1-based): chr9:132,903,748, T>G on the plus strand (A>C on the coding strand, the complement: TSC1 is on the minus strand). VCF-style: chr9-132903748-T-G. GRCh37 (hg19) VCF-style: chr9-135779135-T-G.
Other names: c.2111A>C (NM_000368.4); c.2108A>C, p.Tyr703Ser (NM_001162426.2); c.1958A>C, p.Tyr653Ser (NM_001162427.2); c.1748A>C, p.Tyr583Ser (NM_001362177.2); short protein forms Y704S, Y583S, Y653S, Y703S.
Identifiers: ClinVar variation 1352923 (VCV001352923.9), dbSNP rs752054698, ClinGen allele CA375361030.

ClinVar aggregate classification (germline): Uncertain significance. Review status: criteria provided, multiple submitters, no conflicts (2 of 4 stars). 2 submissions from 2 submitters: Uncertain significance (2). Last evaluated 2024-12-19.

Conditions:
Hereditary cancer-predisposing syndrome. Also called: Hereditary Cancer Syndrome; Hereditary neoplastic syndrome; Tumor predisposition; Neoplastic Syndromes, Hereditary. Identifiers: Orphanet 140162, MedGen C0027672, MeSH D009386, MONDO:0015356.
Tuberous sclerosis 1 (TSC1). Identifiers: Orphanet 805, MedGen C1854465, MONDO:0008612, OMIM 191100.

gnomAD v4.1: 2 of 1,613,618 alleles (0.00012%); highest among the groups gnomAD compares: Non-Finnish European, 0.00017%; no homozygotes.

Submissions (2):

Ambry Genetics
Classification: Uncertain significance for Hereditary cancer-predisposing syndrome. Last evaluated: 2024-12-19. Review status: criteria provided, single submitter. Criteria: Ambry Variant Classification Scheme 2023. Collection method: clinical testing. Allele origin: germline.
Comment: The p.Y704S variant (also known as c.2111A>C), located in coding exon 15 of the TSC1 gene, results from an A to C substitution at nucleotide position 2111. The tyrosine at codon 704 is replaced by serine, an amino acid with dissimilar properties. This amino acid position is highly conserved in available vertebrate species. In addition, this alteration is predicted to be deleterious by in silico analysis. Based on the available evidence, the clinical significance of this variant remains unclear.

Labcorp Genetics (formerly Invitae), Labcorp
Classification: Uncertain significance for Tuberous sclerosis 1. Last evaluated: 2021-05-10. Review status: criteria provided, single submitter. Criteria: Invitae Variant Classification Sherloc (09022015). Collection method: clinical testing. Allele origin: germline.
Comment: This sequence change replaces tyrosine with serine at codon 704 of the TSC1 protein (p.Tyr704Ser). The tyrosine residue is highly conserved and there is a large physicochemical difference between tyrosine and serine. This variant is not present in population databases (ExAC no frequency). This variant has not been reported in the literature in individuals with TSC1-related conditions. Algorithms developed to predict the effect of missense changes on protein structure and function are either unavailable or do not agree on the potential impact of this missense change (SIFT: "Deleterious"; PolyPhen-2: "Probably Damaging"; Align-GVGD: "Class C0"). In summary, the available evidence is currently insufficient to determine the role of this variant in disease. Therefore, it has been classified as a Variant of Uncertain Significance.